The following is an entry in ClinVar:

ClinVar aggregate classification (germline): Uncertain significance (1 of 4 stars; one submission).

Conditions:
SPTBN1-related disorder. Also called: SPTBN1-related condition.

gnomAD v4.1: 1 of 1,613,974 alleles (0.000062%); highest among the groups gnomAD compares: Non-Finnish European, 0.000085%; no homozygotes.

Submission:

PreventionGenetics, part of Exact Sciences
Classification: Uncertain significance for SPTBN1-related condition. Last evaluated: 2025-08-12. Review status: criteria provided, single submitter. Criteria: ACMG Guidelines, 2015. Collection method: clinical testing. Allele origin: germline.
Comment: The SPTBN1 c.509A>G variant is predicted to result in the amino acid substitution p.Lys170Arg. To our knowledge, this variant has not been reported in the literature or in a large population database (gnomAD), indicating this variant is rare. At this time, the clinical significance of this variant is uncertain due to the absence of conclusive functional and genetic evidence.

NM_003128.3(SPTBN1):c.509A>G (p.Lys170Arg)

Gene: SPTBN1 (spectrin beta, non-erythrocytic 1; plus strand). Cytogenetic location: 2p16.2.
Variant type: single nucleotide variant.
Coding change: c.509A>G on transcript NM_003128.3 (MANE Select); coding-DNA position 509, A replaced by G.
Protein change: p.Lys170Arg; replaces lysine 170 with arginine.
Molecular consequence: missense variant.
Genome position (GRCh38, 1-based): chr2:54,616,241, A>G. VCF-style: chr2-54616241-A-G. GRCh37 (hg19) VCF-style: chr2-54843378-A-G.
Other names: c.470A>G, p.Lys157Arg (NM_178313.3); short protein forms K157R, K170R.
Identifiers: ClinVar variation 4998616 (VCV004998616.1).